The following is an entry in ClinVar:

ClinVar aggregate classification (germline): Conflicting classifications of pathogenicity. Review status: criteria provided, conflicting classifications (1 of 4 stars). 2 submissions from 2 submitters: Uncertain significance (1); Likely benign (1). Last evaluated 2025-07-05.

Conditions:
Hereditary cancer-predisposing syndrome. Also called: Neoplastic Syndromes, Hereditary; Hereditary Cancer Syndrome; Tumor predisposition; Hereditary neoplastic syndrome. Identifiers: Orphanet 140162, MedGen C0027672, MeSH D009386, MONDO:0015356.
Ataxia-telangiectasia syndrome (AT). Also called: Cerebello-oculocutaneous telangiectasia; Immunodeficiency with ataxia telangiectasia; ATAXIA-TELANGIECTASIA, COMPLEMENTATION GROUP A; ATAXIA-TELANGIECTASIA, FRESNO VARIANT; Ataxia-telangiectasia, complementation group E; LOUIS-BAR SYNDROME. Identifiers: Orphanet 100, MedGen C0004135, MONDO:0008840, OMIM 208900.

gnomAD v4.1: 2 of 1,613,610 alleles (0.00012%); highest among the groups gnomAD compares: Non-Finnish European, 0.00017%; no homozygotes.

Submissions (2):

Labcorp Genetics (formerly Invitae), Labcorp
Classification: Uncertain significance for Ataxia-telangiectasia syndrome. Last evaluated: 2025-07-05. Review status: criteria provided, single submitter. Criteria: Invitae Variant Classification Sherloc (09022015). Collection method: clinical testing. Allele origin: germline.
Comment: This sequence change replaces valine, which is neutral and non-polar, with methionine, which is neutral and non-polar, at codon 1486 of the ATM protein (p.Val1486Met). This variant is not present in population databases (gnomAD no frequency). This variant has not been reported in the literature in individuals affected with ATM-related conditions. ClinVar contains an entry for this variant (Variation ID: 1511678). Invitae Evidence Modeling of protein sequence and biophysical properties (such as structural, functional, and spatial information, amino acid conservation, physicochemical variation, residue mobility, and thermodynamic stability) indicates that this missense variant is not expected to disrupt ATM protein function with a negative predictive value of 95%. In summary, the available evidence is currently insufficient to determine the role of this variant in disease. Therefore, it has been classified as a Variant of Uncertain Significance.

Color Diagnostics, LLC DBA Color Health
Classification: Likely benign for Hereditary cancer-predisposing syndrome. Last evaluated: 2024-09-18. Review status: criteria provided, single submitter. Criteria: ACMG Guidelines, 2015. Collection method: clinical testing. Allele origin: germline.

NM_000051.4(ATM):c.4456G>A (p.Val1486Met)

Gene: ATM (ATM serine/threonine kinase; plus strand). Cytogenetic location: 11q22.3.
Variant type: single nucleotide variant.
Coding change: c.4456G>A on transcript NM_000051.4 (MANE Select); coding-DNA position 4456, G replaced by A.
Protein change: p.Val1486Met; replaces valine 1486 with methionine.
Molecular consequence: missense variant.
Genome position (GRCh38, 1-based): chr11:108,292,638, G>A. VCF-style: chr11-108292638-G-A. GRCh37 (hg19) VCF-style: chr11-108163365-G-A.
Other names: c.4456G>A, p.Val1486Met (NM_001351834.2); short protein forms V1486M.
Identifiers: ClinVar variation 1511678 (VCV001511678.6), dbSNP rs786203352, ClinGen allele CA382533018.